The following is an entry in ClinVar:

ClinVar aggregate classification (germline): Uncertain significance (1 of 4 stars; one submission).

Submission:

Ambry Genetics
Classification: Uncertain significance. Last evaluated: 2023-09-17. Review status: criteria provided, single submitter. Criteria: Ambry Variant Classification Scheme 2023. Collection method: clinical testing. Allele origin: germline.
Comment: The p.V951L variant (also known as c.2851G>T), located in coding exon 16 of the PALLD gene, results from a G to T substitution at nucleotide position 2851. The valine at codon 951 is replaced by leucine, an amino acid with highly similar properties. This amino acid position is conserved. In addition, this alteration is predicted to be tolerated by in silico analysis. Since supporting evidence is limited at this time, the clinical significance of this alteration remains unclear.

NM_001166108.2(PALLD):c.2902G>T (p.Val968Leu)

Genes: CBR4 (carbonyl reductase 4; minus strand), PALLD (palladin, cytoskeletal associated protein; plus strand). Cytogenetic location: 4q32.3.
Variant type: single nucleotide variant.
Coding change: c.2902G>T on transcript NM_001166108.2 (MANE Select); coding-DNA position 2902, G replaced by T.
Protein change: p.Val968Leu; replaces valine 968 with leucine.
Molecular consequence: missense variant.
Genome position (GRCh38, 1-based): chr4:168,921,585, G>T. VCF-style: chr4-168921585-G-T. GRCh37 (hg19) VCF-style: chr4-169842736-G-T.
Other names: c.1705G>T, p.Val569Leu (NM_001166109.2); c.1390G>T, p.Val464Leu (NM_001166110.2); c.730G>T, p.Val244Leu (NM_001367567.1, NM_001367569.1); c.781G>T, p.Val261Leu (NM_001367568.1, NM_001367570.1); c.2851G>T, p.Val951Leu (NM_016081.4); short protein forms V244L, V261L, V464L, V569L, V951L, V968L.
Identifiers: ClinVar variation 3226789 (VCV003226789.1), dbSNP rs551420048, ClinGen allele CA358708579.
Genomic context (GRCh38, chr4:168,921,585, plus strand): 5'-ATGATTTAGGTCAGTGGGTTACCAACCCCAGATCTAAGCTGGCAACTAGATGGAAAGCCC[G>T]TACGCCCTGACAGTGCTCACAAGATGCTGGTGCGTGAGAACGGGGTGCACTCTCTGATCA-3'
Protein context (NP_001159580.1, residues 958-978): DLSWQLDGKP[Val968Leu]RPDSAHKMLV